The following is an entry in ClinVar:

NM_015443.4(KANSL1):c.2660C>T (p.Thr887Met)

Gene: KANSL1 (KAT8 regulatory NSL complex subunit 1). Cytogenetic location: 17q21.31.
Variant type: single nucleotide variant.
Coding change: c.2660C>T on transcript NM_015443.4 (MANE Select); coding-DNA position 2660, C replaced by T.
Protein change: p.Thr887Met; replaces threonine 887 with methionine.
Molecular consequence: missense variant.
Genome position (GRCh38, 1-based): chr17:46,034,167, G>A on the plus strand (C>T on the coding strand, the complement: KANSL1 is on the minus strand). VCF-style: chr17-46034167-G-A. GRCh37 (hg19) VCF-style: chr17-44111533-G-A.
Other names: c.2657C>T, p.Thr886Met (NM_001193465.2, NM_001405856.1, NM_001405857.1 and 1 more transcripts); c.2660C>T, p.Thr887Met (NM_001193466.2, NM_001379198.1, NM_001405854.1 and 4 more transcripts); c.2558C>T, p.Thr853Met (NM_001405859.1, NM_001405860.1); c.2555C>T, p.Thr852Met (NM_001405861.1, NM_001405881.1); c.2471C>T, p.Thr824Met (NM_001405875.1, NM_001405876.1, NM_001405877.1 and 1 more transcripts); c.2468C>T, p.Thr823Met (NM_001405879.1, NM_001405880.1); c.1394C>T, p.Thr465Met (NM_001405882.1); c.1391C>T, p.Thr464Met (NM_001405883.1); and 2 more; short protein forms T401M, T402M, T464M, T465M, T823M, T824M, T852M, T853M.
Identifiers: ClinVar variation 2507163 (VCV002507163.1), dbSNP rs779806189, ClinGen allele CA8618507.

ClinVar aggregate classification (germline): Uncertain significance (1 of 4 stars; one submission).

Allele frequency attached by ClinVar (database versions not stated): gnomAD exomes below 0.00001; TOPMed below 0.00001; gnomAD 0.00001; ExAC 0.00002.
gnomAD v4.1: 2 of 1,613,722 alleles (0.00012%); highest among the groups gnomAD compares: South Asian, 0.0011%; no homozygotes.

Submission:

GeneDx
Classification: Uncertain significance. Last evaluated: 2023-06-26. Review status: criteria provided, single submitter. Criteria: GeneDx Variant Classification Process June 2021. Collection method: clinical testing. Allele origin: germline. Affected: yes.
Comment: In silico analysis supports that this missense variant has a deleterious effect on protein structure/function; Missense variant in a gene in which most reported pathogenic variants are truncating/loss of function; Has not been previously published as pathogenic or benign to our knowledge